The following is an entry in ClinVar:

NM_139076.3(ABRAXAS1):c.868A>C (p.Asn290His)

Gene: ABRAXAS1 (abraxas 1, BRCA1 A complex subunit; minus strand). Cytogenetic location: 4q21.23.
Variant type: single nucleotide variant.
Coding change: c.868A>C on transcript NM_139076.3 (MANE Select); coding-DNA position 868, A replaced by C.
Protein change: p.Asn290His; replaces asparagine 290 with histidine.
Molecular consequence: missense variant.
Genome position (GRCh38, 1-based): chr4:83,462,831, T>G on the plus strand (A>C on the coding strand, the complement: ABRAXAS1 is on the minus strand). VCF-style: chr4-83462831-T-G. GRCh37 (hg19) VCF-style: chr4-84383984-T-G.
Other names: c.541A>C, p.Asn181His (NM_001345962.2); short protein forms N290H, N181H.
Identifiers: ClinVar variation 3448928 (VCV003448928.1).

ClinVar aggregate classification (germline): Uncertain significance (1 of 4 stars; one submission).

Submission:

Ambry Genetics
Classification: Uncertain significance. Last evaluated: 2024-12-10. Review status: criteria provided, single submitter. Criteria: Ambry Variant Classification Scheme 2023. Collection method: clinical testing. Allele origin: germline.
Comment: The p.N290H variant (also known as c.868A>C), located in coding exon 9 of the FAM175A gene, results from an A to C substitution at nucleotide position 868. The asparagine at codon 290 is replaced by histidine, an amino acid with similar properties. This amino acid position is conserved. In addition, this alteration is predicted to be tolerated by in silico analysis. Based on the available evidence, the clinical significance of this variant remains unclear.